The following is an entry in ClinVar:

NM_012471.3(TRPC5):c.2450T>C (p.Met817Thr)

Gene: TRPC5 (transient receptor potential cation channel subfamily C member 5; minus strand). Cytogenetic location: Xq23.
Variant type: single nucleotide variant.
Coding change: c.2450T>C on transcript NM_012471.3 (MANE Select); coding-DNA position 2450, T replaced by C.
Protein change: p.Met817Thr; replaces methionine 817 with threonine.
Molecular consequence: missense variant.
Genome position (GRCh38, 1-based): chrX:111,776,785, A>G on the plus strand (T>C on the coding strand, the complement: TRPC5 is on the minus strand). VCF-style: chrX-111776785-A-G. GRCh37 (hg19) VCF-style: chrX-111020013-A-G.
Other names: short protein forms M817T.
Identifiers: ClinVar variation 4989851 (VCV004989851.1).

ClinVar aggregate classification (germline): Uncertain significance (1 of 4 stars; one submission).

Conditions:
TRPC5-related disorder. Also called: TRPC5-related condition.

gnomAD v4.1: 2 of 1,208,539 alleles (0.00017%); highest among the groups gnomAD compares: Non-Finnish European, 0.00011%; no homozygotes.

Submission:

PreventionGenetics, part of Exact Sciences
Classification: Uncertain significance for TRPC5-related condition. Last evaluated: 2025-04-19. Review status: criteria provided, single submitter. Criteria: ACMG Guidelines, 2015. Collection method: clinical testing. Allele origin: germline.
Comment: The TRPC5 c.2450T>C variant is predicted to result in the amino acid substitution p.Met817Thr. To our knowledge, this variant has not been reported in the literature or in a large population database (gnomAD), indicating this variant is rare. At this time, the clinical significance of this variant is uncertain due to the absence of conclusive functional and genetic evidence.